The following is an entry in ClinVar:

ClinVar aggregate classification (germline): Uncertain significance (1 of 4 stars; one submission).

Submission:

Labcorp Genetics (formerly Invitae), Labcorp
Classification: Uncertain significance. Last evaluated: 2025-06-12. Review status: criteria provided, single submitter. Criteria: Invitae Variant Classification Sherloc (09022015). Collection method: clinical testing. Allele origin: germline.
Comment: This sequence change replaces asparagine, which is neutral and polar, with tyrosine, which is neutral and polar, at codon 79 of the CISD2 protein (p.Asn79Tyr). This variant is not present in population databases (gnomAD no frequency). This variant has not been reported in the literature in individuals affected with CISD2-related conditions. ClinVar contains an entry for this variant (Variation ID: 1937958). An algorithm developed to predict the effect of missense changes on protein structure and function (PolyPhen-2) suggests that this variant is likely to be disruptive. In summary, the available evidence is currently insufficient to determine the role of this variant in disease. Therefore, it has been classified as a Variant of Uncertain Significance.

NM_001008388.5(CISD2):c.235A>T (p.Asn79Tyr)

Genes: CISD2 (CDGSH iron sulfur domain 2; plus strand), SLC9B1 (solute carrier family 9 member B1; minus strand). Cytogenetic location: 4q24.
Variant type: single nucleotide variant.
Coding change: c.235A>T on transcript NM_001008388.5 (MANE Select); coding-DNA position 235, A replaced by T.
Protein change: p.Asn79Tyr; replaces asparagine 79 with tyrosine.
Molecular consequence: missense variant. On other transcripts: intron variant (1).
Genome position (GRCh38, 1-based): chr4:102,885,347, A>T. VCF-style: chr4-102885347-A-T. GRCh37 (hg19) VCF-style: chr4-103806504-A-T.
Other names: c.1333-19T>A (NM_001100874.3); short protein forms N79Y.
Identifiers: ClinVar variation 1937958 (VCV001937958.4), dbSNP rs2476239390, ClinGen allele CA357762960.